The following is an entry in ClinVar:

ClinVar aggregate classification (germline): Uncertain significance. Review status: criteria provided, multiple submitters, no conflicts (2 of 4 stars). 2 submissions from 2 submitters: Uncertain significance (2). Last evaluated 2025-08-09.

Conditions:
Inborn genetic diseases. Identifiers: MedGen C0950123, MeSH D030342.

Allele frequency attached by ClinVar (database versions not stated): 1000 Genomes Project 30x 0.00031; ExAC 0.00001; gnomAD 0.00001 and 0.00002; TOPMed 0.00001; gnomAD exomes 0.00002 and 0.00004; 1000 Genomes Project 0.00020.
gnomAD v4.1: 56 of 1,614,102 alleles (0.0035%); highest among the groups gnomAD compares: Middle Eastern, 0.017%; no homozygotes.

Submissions (2):

Ambry Genetics
Classification: Uncertain significance for Inborn genetic diseases. Last evaluated: 2025-08-09. Review status: criteria provided, single submitter. Criteria: Ambry Variant Classification Scheme 2023. Collection method: clinical testing. Allele origin: germline.

Labcorp Genetics (formerly Invitae), Labcorp
Classification: Uncertain significance. Last evaluated: 2022-08-23. Review status: criteria provided, single submitter. Criteria: Invitae Variant Classification Sherloc (09022015). Collection method: clinical testing. Allele origin: germline.
Comment: This sequence change replaces tyrosine, which is neutral and polar, with cysteine, which is neutral and slightly polar, at codon 2369 of the FAT4 protein (p.Tyr2369Cys). This variant is present in population databases (rs538280790, gnomAD 0.004%). This variant has not been reported in the literature in individuals affected with FAT4-related conditions. ClinVar contains an entry for this variant (Variation ID: 1499252). Algorithms developed to predict the effect of missense changes on protein structure and function (SIFT, PolyPhen-2, Align-GVGD) all suggest that this variant is likely to be disruptive. In summary, the available evidence is currently insufficient to determine the role of this variant in disease. Therefore, it has been classified as a Variant of Uncertain Significance.

NM_001291303.3(FAT4):c.7106A>G (p.Tyr2369Cys)

Gene: FAT4 (FAT atypical cadherin 4; plus strand). Cytogenetic location: 4q28.1.
Variant type: single nucleotide variant.
Coding change: c.7106A>G on transcript NM_001291303.3 (MANE Select); coding-DNA position 7106, A replaced by G.
Protein change: p.Tyr2369Cys; replaces tyrosine 2369 with cysteine.
Molecular consequence: missense variant.
Genome position (GRCh38, 1-based): chr4:125,434,332, A>G. VCF-style: chr4-125434332-A-G. GRCh37 (hg19) VCF-style: chr4-126355487-A-G.
Other names: c.7106A>G, p.Tyr2369Cys (NM_001291285.3, NM_024582.6); c.7106A>G (NM_024582.4); short protein forms Y2369C.
Identifiers: ClinVar variation 1499252 (VCV001499252.4), dbSNP rs538280790, ClinGen allele CA3073096.
Genomic context (GRCh38, chr4:125,434,332, plus strand): 5'-CAATCAACGTCATAGTAGATGATGTCAATGACAATGTCCCCACATTTGCCAGTAAAGCGT[A>G]TTTCACAACAATTCCTGAGGATGCACCAACTGGAACAGATGTTTTATTGGTAAATGCCTC-3'
Protein context (NP_001278232.1, residues 2359-2379): DNVPTFASKA[Tyr2369Cys]FTTIPEDAPT